The following is an entry in ClinVar:

ClinVar aggregate classification (germline): Conflicting classifications of pathogenicity. Review status: criteria provided, conflicting classifications (1 of 4 stars). 6 submissions from 6 submitters: Uncertain significance (3); Likely benign (3). Last evaluated 2026-03-09.

Conditions:
Hereditary cancer-predisposing syndrome. Also called: Hereditary Cancer Syndrome; Tumor predisposition; Hereditary neoplastic syndrome; Neoplastic Syndromes, Hereditary. Identifiers: Orphanet 140162, MedGen C0027672, MeSH D009386, MONDO:0015356.
Hereditary leiomyomatosis and renal cell cancer. Also called: MULTIPLE CUTANEOUS AND UTERINE LEIOMYOMATA 1, WITH OR WITHOUT RENAL CELL CARCINOMA; Reed syndrome; Multiple cutaneous and uterine leiomyomatosis; Cutaneous leiomyomata with uterine leiomyomata; Leiomyoma, hereditary multiple, of skin; Multiple cutaneous and uterine leiomyomata. Identifiers: Orphanet 523, MedGen C1708350, MONDO:0007888, OMIM 150800, HP:0007437. Disease mechanism: loss of function.
Fumarase deficiency (FMRD). Also called: Fumaric aciduria; Fumarate Hydratase Deficiency. Identifiers: Orphanet 24, MedGen C0342770, MONDO:0011730, OMIM 606812.

Allele frequency attached by ClinVar (database versions not stated): gnomAD exomes 0.00001 and 0.00002; TOPMed 0.00001; gnomAD 0.00002; ExAC 0.00004.
gnomAD v4.1: 10 of 1,613,088 alleles (0.00062%); highest among the groups gnomAD compares: East Asian, 0.022%; 1 homozygote.

Submissions (6):

GeneDx
Classification: Uncertain significance. Last evaluated: 2026-03-09. Review status: criteria provided, single submitter. Criteria: GeneDx Variant Classification Process June 2021. Collection method: clinical testing. Allele origin: germline.
Comment: In silico analysis suggests that this missense variant does not alter protein structure/function; Has not been previously published as pathogenic or benign to our knowledge

Labcorp Genetics (formerly Invitae), Labcorp
Classification: Likely benign. Last evaluated: 2026-01-05. Review status: criteria provided, single submitter. Criteria: Invitae Variant Classification Sherloc (09022015). Collection method: clinical testing. Allele origin: germline.

Center for Genomic Medicine, Rigshospitalet, Copenhagen University Hospital
Classification: Uncertain significance. Last evaluated: 2025-03-04. Review status: criteria provided, single submitter. Criteria: ACMG Guidelines, 2015. Collection method: clinical testing. Allele origin: germline.

Myriad Genetics, Inc.
Classification: Likely benign for Hereditary leiomyomatosis and renal cell cancer. Last evaluated: 2024-08-26. Review status: criteria provided, single submitter. Criteria: Myriad Autosomal Dominant, Autosomal Recessive and X-Linked Classification Criteria (2023). Collection method: clinical testing. Allele origin: unknown.
Comment: This variant is considered likely benign. This variant has been observed at a population frequency that is significantly greater than expected given the associated disease prevalence and penetrance.

Ambry Genetics
Classification: Likely benign for Hereditary cancer-predisposing syndrome. Last evaluated: 2023-04-04. Review status: criteria provided, single submitter. Criteria: Ambry Variant Classification Scheme 2023. Collection method: clinical testing. Allele origin: germline.

Department of Pathology and Laboratory Medicine, Sinai Health System
Classification: Uncertain significance for Hereditary leiomyomatosis and renal cell cancer; Fumarase deficiency. Last evaluated: 2021-07-30. Review status: criteria provided, single submitter. Criteria: ACMG Guidelines, 2015. Collection method: research. Allele origin: germline.

NM_000143.4(FH):c.1283T>C (p.Val428Ala)

Gene: FH (fumarate hydratase; minus strand). Cytogenetic location: 1q43.
Variant type: single nucleotide variant.
Coding change: c.1283T>C on transcript NM_000143.4 (MANE Select); coding-DNA position 1283, T replaced by C.
Protein change: p.Val428Ala; replaces valine 428 with alanine.
Molecular consequence: missense variant.
Genome position (GRCh38, 1-based): chr1:241,500,544, A>G on the plus strand (T>C on the coding strand, the complement: FH is on the minus strand). VCF-style: chr1-241500544-A-G. GRCh37 (hg19) VCF-style: chr1-241663844-A-G.
Other names: short protein forms V428A.
Identifiers: ClinVar variation 1665589 (VCV001665589.16), dbSNP rs201644919, ClinGen allele CA1478485.